The following is an entry in ClinVar:

ClinVar aggregate classification (germline): Pathogenic (1 of 4 stars; one submission).

Conditions:
Tuberous sclerosis syndrome (TSC). Also called: Tuberous Sclerosis Complex; Tuberous sclerosis. Identifiers: Orphanet 805, MedGen C0041341, MONDO:0001734.

Submission:

Cambridge Genomics Laboratory, East Genomic Laboratory Hub, NHS Genomic Medicine Service
Classification: Pathogenic for Tuberous sclerosis. Last evaluated: 2025-01-29. Review status: criteria provided, single submitter. Criteria: ACGS Best Practice Guidelines for Variant Classification in Rare Disease 2020. Collection method: clinical testing. Allele origin: germline. Affected: yes.
Comment: PVS1_Moderate,PS2,PS4_Supporting,PM2,PP4

NM_000548.5(TSC2):c.1257+1G>T

Gene: TSC2 (TSC complex subunit 2; plus strand). Cytogenetic location: 16p13.3.
Variant type: single nucleotide variant.
Coding change: c.1257+1G>T on transcript NM_000548.5 (MANE Select); the canonical splice donor site of the intron after coding-DNA position 1257, G replaced by T.
Molecular consequence: splice donor variant.
Genome position (GRCh38, 1-based): chr16:2,062,009, G>T. VCF-style: chr16-2062009-G-T. GRCh37 (hg19) VCF-style: chr16-2112010-G-T.
Other names: c.-88+1G>T (NM_001406693.1, NM_001406689.1, NM_001406690.1 and 4 more transcripts); c.1347+1G>T (NM_001406667.1, NM_001406668.1); c.657+1G>T (NM_001406680.1, NM_001406683.1, NM_001406687.1 and 6 more transcripts); c.-264+1G>T (NM_001406698.1); c.1257+1G>T (NM_001114382.3, NM_001406663.1, NM_001406664.1 and 6 more transcripts); c.-56+1G>T (NM_001406694.1, NM_001406695.1); c.1245+1G>T (NM_001406671.1, NM_001406673.1); c.795+1G>T (NM_001406681.1); and 4 more.
Identifiers: ClinVar variation 4682140 (VCV004682140.1).